The following is an entry in ClinVar:

ClinVar aggregate classification (germline): Uncertain significance (1 of 4 stars; one submission).

Conditions:
Wiskott-Aldrich syndrome 2 (WAS2). Also called: WIPF1 DEFICIENCY. Identifiers: Orphanet 906, MedGen C3281001, MONDO:0013779, OMIM 614493.

gnomAD v4.1: 1 of 1,613,982 alleles (0.000062%); highest among the groups gnomAD compares: Non-Finnish European, 0.000085%; no homozygotes.

Submission:

Labcorp Genetics (formerly Invitae), Labcorp
Classification: Uncertain significance for Wiskott-Aldrich syndrome 2. Last evaluated: 2022-05-21. Review status: criteria provided, single submitter. Criteria: Invitae Variant Classification Sherloc (09022015). Collection method: clinical testing. Allele origin: germline.
Comment: In summary, the available evidence is currently insufficient to determine the role of this variant in disease. Therefore, it has been classified as a Variant of Uncertain Significance. Algorithms developed to predict the effect of missense changes on protein structure and function are either unavailable or do not agree on the potential impact of this missense change (SIFT: "Not Available"; PolyPhen-2: "Benign"; Align-GVGD: "Not Available"). This variant has not been reported in the literature in individuals affected with WIPF1-related conditions. The frequency data for this variant in the population databases is considered unreliable, as metrics indicate poor data quality at this position in the gnomAD database. This sequence change replaces serine, which is neutral and polar, with isoleucine, which is neutral and non-polar, at codon 424 of the WIPF1 protein (p.Ser424Ile).

NM_001375834.1(WIPF1):c.1271G>T (p.Ser424Ile)

Gene: WIPF1 (WAS/WASL interacting protein family member 1; minus strand). Cytogenetic location: 2q31.1.
Variant type: single nucleotide variant.
Coding change: c.1271G>T on transcript NM_001375834.1 (MANE Select); coding-DNA position 1271, G replaced by T.
Protein change: p.Ser424Ile; replaces serine 424 with isoleucine.
Molecular consequence: missense variant.
Genome position (GRCh38, 1-based): chr2:174,567,932, C>A on the plus strand (G>T on the coding strand, the complement: WIPF1 is on the minus strand). VCF-style: chr2-174567932-C-A. GRCh37 (hg19) VCF-style: chr2-175432660-C-A.
Other names: c.1271G>T, p.Ser424Ile (NM_001077269.1, NM_001375832.1, NM_001375833.1 and 2 more transcripts); c.893G>T, p.Ser298Ile (NM_001375839.1); short protein forms S298I, S424I.
Identifiers: ClinVar variation 1997650 (VCV001997650.4), dbSNP rs1318334943, ClinGen allele CA349336710.